The following is an entry in ClinVar:

NM_001395159.1(UNC79):c.2531G>A (p.Gly844Glu)

Gene: UNC79 (unc-79 homolog, NALCN channel complex subunit; plus strand). Cytogenetic location: 14q32.12.
Variant type: single nucleotide variant.
Coding change: c.2531G>A on transcript NM_001395159.1 (MANE Select); coding-DNA position 2531, G replaced by A.
Protein change: p.Gly844Glu; replaces glycine 844 with glutamic acid.
Molecular consequence: missense variant.
Genome position (GRCh38, 1-based): chr14:93,580,246, G>A. VCF-style: chr14-93580246-G-A. GRCh37 (hg19) VCF-style: chr14-94046592-G-A.
Other names: c.2531G>A, p.Gly844Glu (NM_001346218.2); c.2000G>A, p.Gly667Glu (NM_020818.5); short protein forms G667E, G844E.
Identifiers: ClinVar variation 3338516 (VCV003338516.1).

ClinVar aggregate classification (germline): Uncertain significance (1 of 4 stars; one submission).

gnomAD v4.1: 1 of 1,614,132 alleles (0.000062%); highest among the groups gnomAD compares: South Asian, 0.0011%; no homozygotes.

Submission:

Greenwood Genetic Center Diagnostic Laboratories, Greenwood Genetic Center
Classification: Uncertain significance. Last evaluated: 2024-05-21. Review status: criteria provided, single submitter. Criteria: ACMG Guidelines, 2015. Collection method: clinical testing. Allele origin: germline. Affected: yes.
Comment: Gene of Uncertain Significance